The following is an entry in ClinVar:

ClinVar aggregate classification (germline): Pathogenic/Likely pathogenic. Review status: criteria provided, multiple submitters, no conflicts (2 of 4 stars). 7 submissions from 7 submitters: Pathogenic (3); Likely pathogenic (3). 1 of the submissions does not count toward it. Last evaluated 2026-02-06.

Conditions:
Autosomal recessive titinopathy. Identifiers: MedGen CN315649, MONDO:0100493.
Dilated cardiomyopathy 1G (CMD1G). Identifiers: Orphanet 154, MedGen C1858763, MONDO:0011400, OMIM 604145.
Autosomal recessive limb-girdle muscular dystrophy type 2J (LGMDR10). Also called: MUSCULAR DYSTROPHY, LIMB-GIRDLE, AUTOSOMAL RECESSIVE 10; Limb-girdle muscular dystrophy, type 2J. Identifiers: Orphanet 140922, MedGen C1837342, MONDO:0012127, OMIM 608807.
Cardiovascular phenotype. Identifiers: MedGen CN230736.

Allele frequency attached by ClinVar (database versions not stated): TOPMed below 0.00001; gnomAD 0.00001; gnomAD exomes 0.00001.
gnomAD v4.1: 20 of 1,597,868 alleles (0.0013%); highest among the groups gnomAD compares: East Asian, 0.0022%; no homozygotes.

Submissions (7):

Myofin, Folkhalsan Research Center
Classification: Pathogenic for Autosomal recessive titinopathy. Last evaluated: 2026-02-06. Review status: criteria provided, single submitter. Criteria: ACMG Guidelines, 2015. Collection method: research. Allele origin: germline. Affected: yes.
Comment: TTN loss-of-function is an established mechanism for autosomal recessive titinopathies. ACMG/AMP criteria applied: PVS1 (predicted loss of function), PM2_Supporting (absent/rare in population databases), and PP4_Supporting (highly consistent clinical phenotype). Overall classification: Pathogenic for recessive titinopathy.

Labcorp Genetics (formerly Invitae), Labcorp
Classification: Pathogenic for Dilated cardiomyopathy 1G; Autosomal recessive limb-girdle muscular dystrophy type 2J. Last evaluated: 2025-12-22. Review status: criteria provided, single submitter. Criteria: Invitae Variant Classification Sherloc (09022015). Collection method: clinical testing. Allele origin: germline.
Comment: This sequence change creates a premature translational stop signal (p.Arg27806*) in the TTN gene. While this is not anticipated to result in nonsense mediated decay, it is expected to create a truncated TTN protein. This variant is not present in population databases (gnomAD no frequency). This premature translational stop signal has been observed in individuals with dilated cardiomyopathy (internal data). ClinVar contains an entry for this variant (Variation ID: 864799). This variant is located in the A band of TTN (PMID: 25589632). Truncating variants in this region are significantly overrepresented in patients affected with dilated cardiomyopathy (PMID: 25589632). Truncating variants in this region have also been reported in individuals affected with autosomal recessive centronuclear myopathy (PMID: 23975875). For these reasons, this variant has been classified as Pathogenic.

GeneDx
Classification: Likely pathogenic. Last evaluated: 2025-06-05. Review status: criteria provided, single submitter. Criteria: GeneDx Variant Classification Process June 2021. Collection method: clinical testing. Allele origin: germline. Affected: yes.
Comment: Nonsense variant predicted to result in protein truncation or nonsense mediated decay in a gene for which loss of function is a known mechanism of disease; Located in the A-band, a region of TTN for which truncating variants are significantly associated with autosomal dominant cardiomyopathy and also with autosomal recessive skeletal myopathies (PMID: 22335739, 32778822); Reported in association with dilated cardiomyopathy (PMID: 35653365, 31983221, 36264615, 37652022); Not observed at significant frequency in large population cohorts (gnomAD); This variant is associated with the following publications: (PMID: 35177841, 31983221, 35653365, 36264615, 37652022, 32778822, 22335739)

Molecular Diagnostic Laboratory for Inherited Cardiovascular Disease, Montreal Heart Institute
Classification: Pathogenic for Cardiovascular phenotype. Last evaluated: 2023-02-14. Review status: criteria provided, single submitter. Criteria: ACMG Guidelines, 2015. Collection method: clinical testing. Allele origin: germline. Affected: yes.

Ambry Genetics
Classification: Likely pathogenic for Cardiovascular phenotype. Last evaluated: 2023-01-20. Review status: criteria provided, single submitter. Criteria: Ambry Variant Classification Scheme 2023. Collection method: clinical testing. Allele origin: germline.
Comment: The p.R18741* variant (also known as c.56221C>T), located in coding exon 153 of the TTN gene, results from a C to T substitution at nucleotide position 56221. This changes the amino acid from an arginine to a stop codon within coding exon 153. This exon is located in the A-band region of the N2-B isoform of the titin protein and is constitutively expressed in TTN transcripts (percent spliced in or PSI 100%). This alteration has been reported in a dilated cardiomyopathy (DCM) cohort (Mazzarotto F et al. Circulation, 2020 Feb;141:387-398). This variant is considered to be rare based on population cohorts in the Genome Aggregation Database (gnomAD). In addition to the clinical data presented in the literature, this alteration is expected to result in loss of function by premature protein truncation or nonsense-mediated mRNA decay. While truncating variants in TTN are present in 1-3% of the general population, truncating variants in the A-band are the most common cause of dilated cardiomyopathy (DCM) (Herman DS et al. N. Engl. J. Med., 2012 Feb;366:619-28; Roberts AM et al. Sci Transl Med, 2015 Jan;7:270ra6). TTN truncating variants encoded in constitutive exons (PSI >90%) have been found to be significantly associated with DCM regardless of their position in titin (Schafer S et al. Nat. Genet., 2017 01;49:46-53). Based on the majority of available evidence to date, this variant is likely to be pathogenic.

Victorian Clinical Genetics Services, Murdoch Childrens Research Institute
Classification: Likely pathogenic for Dilated cardiomyopathy 1G. Last evaluated: 2022-02-02. Review status: criteria provided, single submitter. Criteria: ACMG Guidelines, 2015. Collection method: clinical testing. Allele origin: germline. Inheritance: Autosomal dominant inheritance. Affected: yes.
Comment: Based on the classification scheme VCGS_Germline_v1.3.4, this variant is classified as Likely pathogenic. Following criteria are met: 0102 - Loss of function is known mechanism of disease in this gene. In addition, dominant-negative is also a suggested mechanism. (PMID: 25589632). (I) 0108 - This gene is associated with both recessive and dominant disease (OMIM). (I) 0112 - The condition associated with this gene has incomplete penetrance. Variants in this gene that result in a premature truncating codon (PTC) are known to have reduced penetrance in DCM (PMID: 25589632). (I) 0201 - Variant is predicted to cause nonsense-mediated decay (NMD) and loss of protein (premature termination codon is located at least 54 nucleotides upstream of the final exon-exon junction). (SP) 0251 - This variant is heterozygous. (I) 0302 - Variant is present in gnomAD (v3) <0.001 for a dominant condition (1 heterozygotes, 0 homozygotes). (SP) 0600 - Variant is located in the annotated C-terminal A-band and the exon has a PSI score of 100 (PMID: 25589632). (I) 0703 - Other NMD-predicted variants comparable to the one identified in this case have moderate previous evidence for pathogenicity (ClinVar). (SP) 0803 - This variant has limited previous evidence of pathogenicity in unrelated individuals. This variant has been reported once as pathogenic in ClinVar for DCM and also listed in a large cohort without further information (PMID: 31216868). (SP) 0905 - No published segregation evidence has been identified for this variant. (I) 1007 - No published functional evidence has been identified for this variant. (I) 1208 - Inheritance information for this variant is not currently available in this individual. (I) Legend: (SP) - Supporting pathogenic, (I) - Information, (SB) - Supporting benign

Clinical Genetics Laboratory, University Hospital Schleswig-Holstein
Classification: Pathogenic for Dilated cardiomyopathy 1G. Last evaluated: 2023-05-23. Review status: no assertion criteria provided. Collection method: clinical testing. Allele origin: germline. Affected: yes. Not counted in ClinVar's aggregate classification.

Literature cited by the submitters: DOI 10.1101/2025.07.17.25331143 (cited by Myofin, Folkhalsan Research Center); PubMed 25589632 (cited by Labcorp Genetics (formerly Invitae), Labcorp and Victorian Clinical Genetics Services, Murdoch Childrens Research Institute); PubMed 23975875 (cited by Labcorp Genetics (formerly Invitae), Labcorp); PubMed 31983221 (cited by Ambry Genetics); PubMed 31216868 (cited by Victorian Clinical Genetics Services, Murdoch Childrens Research Institute).

NM_001267550.2(TTN):c.83416C>T (p.Arg27806Ter)

Genes: TTN-AS1 (TTN antisense RNA 1; plus strand), TTN (titin; minus strand). Cytogenetic location: 2q31.2.
Variant type: single nucleotide variant.
Coding change: c.83416C>T on transcript NM_001267550.2 (MANE Select); coding-DNA position 83416, C replaced by T.
Protein change: p.Arg27806Ter; replaces arginine 27806 with a stop codon.
Molecular consequence: nonsense.
Genome position (GRCh38, 1-based): chr2:178,562,716, G>A on the plus strand (C>T on the coding strand, the complement: TTN is on the minus strand). VCF-style: chr2-178562716-G-A. GRCh37 (hg19) VCF-style: chr2-179427443-G-A.
Other names: c.78493C>T, p.Arg26165Ter (NM_001256850.1); c.56221C>T, p.Arg18741Ter (NM_003319.4); c.75712C>T, p.Arg25238Ter (NM_133378.4); c.56596C>T, p.Arg18866Ter (NM_133432.3); c.56797C>T, p.Arg18933Ter (NM_133437.4); c.83416C>T (NM_001267550.1); short protein forms R18866*, R27806*, R18933*, R26165*, R18741*, R25238*.
Identifiers: ClinVar variation 864799 (VCV000864799.15), dbSNP rs886055237, ClinGen allele CA349567655.